The following is an entry in ClinVar:

ClinVar aggregate classification (germline): Uncertain significance. Review status: criteria provided, multiple submitters, no conflicts (2 of 4 stars). 5 submissions from 5 submitters: Uncertain significance (5). Last evaluated 2025-10-27.

Conditions:
Hereditary cancer-predisposing syndrome. Also called: Hereditary neoplastic syndrome; Neoplastic Syndromes, Hereditary; Tumor predisposition; Hereditary Cancer Syndrome. Identifiers: Orphanet 140162, MedGen C0027672, MeSH D009386, MONDO:0015356.
Familial cancer of breast. Also called: Hereditary breast cancer; hereditary breast carcinoma; BREAST CANCER, FAMILIAL. Identifiers: Orphanet 227535, MedGen C0346153, MONDO:0016419, OMIM 114480. Disease mechanism: loss of function.
Fanconi anemia complementation group J. Also called: BRIP1-Related Fanconi Anemia. Identifiers: Orphanet 84, MedGen C1836860, MONDO:0012187, OMIM 609054.

Allele frequency attached by ClinVar (database versions not stated): gnomAD below 0.00001 and 0.00001; gnomAD exomes below 0.00001 and 0.00001; TOPMed below 0.00001; ExAC 0.00002.
gnomAD v4.1: 9 of 1,614,002 alleles (0.00056%); highest among the groups gnomAD compares: South Asian, 0.0055%; no homozygotes.

Submissions (5):

Labcorp Genetics (formerly Invitae), Labcorp
Classification: Uncertain significance for Familial cancer of breast; Fanconi anemia complementation group J. Last evaluated: 2025-10-27. Review status: criteria provided, single submitter. Criteria: Invitae Variant Classification Sherloc (09022015). Collection method: clinical testing. Allele origin: germline.
Comment: This sequence change replaces arginine, which is basic and polar, with glutamine, which is neutral and polar, at codon 658 of the BRIP1 protein (p.Arg658Gln). This variant is present in population databases (rs759142191, gnomAD 0.01%). This variant has not been reported in the literature in individuals affected with BRIP1-related conditions. ClinVar contains an entry for this variant (Variation ID: 407868). Invitae Evidence Modeling of protein sequence and biophysical properties (such as structural, functional, and spatial information, amino acid conservation, physicochemical variation, residue mobility, and thermodynamic stability) indicates that this missense variant is not expected to disrupt BRIP1 protein function with a negative predictive value of 95%. In summary, the available evidence is currently insufficient to determine the role of this variant in disease. Therefore, it has been classified as a Variant of Uncertain Significance.

Center for Genomic Medicine, Rigshospitalet, Copenhagen University Hospital
Classification: Uncertain significance. Last evaluated: 2025-03-04. Review status: criteria provided, single submitter. Criteria: ACMG Guidelines, 2015. Collection method: clinical testing. Allele origin: germline.

Color Diagnostics, LLC DBA Color Health
Classification: Uncertain significance for Hereditary cancer-predisposing syndrome. Last evaluated: 2025-02-25. Review status: criteria provided, single submitter. Criteria: ACMG Guidelines, 2015. Collection method: clinical testing. Allele origin: germline.
Comment: This missense variant replaces arginine with glutamine at codon 658 of the BRIP1 protein. Computational prediction suggests that this variant may not impact protein structure and function. To our knowledge, functional studies have not been reported for this variant. This variant has not been reported in individuals affected with hereditary cancer in the literature. This variant has been identified in 3/251340 chromosomes in the general population by the Genome Aggregation Database (gnomAD). The available evidence is insufficient to determine the role of this variant in disease conclusively. Therefore, this variant is classified as a Variant of Uncertain Significance.

Ambry Genetics
Classification: Uncertain significance for Hereditary cancer-predisposing syndrome. Last evaluated: 2024-03-18. Review status: criteria provided, single submitter. Criteria: Ambry Variant Classification Scheme 2023. Collection method: clinical testing. Allele origin: germline.
Comment: The p.R658Q variant (also known as c.1973G>A), located in coding exon 13 of the BRIP1 gene, results from a G to A substitution at nucleotide position 1973. The arginine at codon 658 is replaced by glutamine, an amino acid with highly similar properties. This amino acid position is well conserved in available vertebrate species. In addition, this alteration is predicted to be tolerated by in silico analysis. Since supporting evidence is limited at this time, the clinical significance of this alteration remains unclear.

Women's Health and Genetics/Laboratory Corporation of America, LabCorp
Classification: Uncertain significance. Last evaluated: 2021-04-28. Review status: criteria provided, single submitter. Criteria: LabCorp Variant Classification Summary - May 2015. Collection method: clinical testing. Allele origin: germline.
Comment: Variant summary: BRIP1 c.1973G>A (p.Arg658Gln) results in a conservative amino acid change in the encoded protein sequence. Three of five in-silico tools predict a benign effect of the variant on protein function. The variant allele was found at a frequency of 1.2e-05 in 251340 control chromosomes (gnomAD). The available data on variant occurrences in the general population are insufficient to allow any conclusion about variant significance. c.1973G>A has been reported in the literature (Yaeger_2015, Thibodeau_2018). These reports however, do not provide unequivocal conclusions about association of the variant with Hereditary Breast and Ovarian Cancer Syndrome. To our knowledge, no experimental evidence demonstrating an impact on protein function has been reported. Three other ClinVar submitters (evaluation after 2014) cite the variant as uncertain significance. Based on the evidence outlined above, the variant was classified as uncertain significance.

Literature cited by the submitters: PubMed 25589621 (cited by Women's Health and Genetics/Laboratory Corporation of America, LabCorp); PubMed 29515789 (cited by Women's Health and Genetics/Laboratory Corporation of America, LabCorp).

NM_032043.3(BRIP1):c.1973G>A (p.Arg658Gln)

Gene: BRIP1 (BRCA1 interacting DNA helicase 1; minus strand). Cytogenetic location: 17q23.2.
Variant type: single nucleotide variant.
Coding change: c.1973G>A on transcript NM_032043.3 (MANE Select); coding-DNA position 1973, G replaced by A.
Protein change: p.Arg658Gln; replaces arginine 658 with glutamine.
Molecular consequence: missense variant.
Genome position (GRCh38, 1-based): chr17:61,776,525, C>T on the plus strand (G>A on the coding strand, the complement: BRIP1 is on the minus strand). VCF-style: chr17-61776525-C-T. GRCh37 (hg19) VCF-style: chr17-59853886-C-T.
Other names: short protein forms R658Q.
Identifiers: ClinVar variation 407868 (VCV000407868.25), dbSNP rs759142191, ClinGen allele CA8690609.